The following is an entry in ClinVar:

NM_001113491.2(SEPTIN9):c.514G>A (p.Val172Ile)

Gene: SEPTIN9 (septin 9; plus strand). Cytogenetic location: 17q25.3.
Variant type: single nucleotide variant.
Coding change: c.514G>A on transcript NM_001113491.2 (MANE Select); coding-DNA position 514, G replaced by A.
Protein change: p.Val172Ile; replaces valine 172 with isoleucine.
Molecular consequence: missense variant.
Genome position (GRCh38, 1-based): chr17:77,402,496, G>A. VCF-style: chr17-77402496-G-A. GRCh37 (hg19) VCF-style: chr17-75398578-G-A.
Other names: c.22G>A, p.Val8Ile (NM_001113492.2, NM_001113494.1); c.493G>A, p.Val165Ile (NM_001113493.2); c.457G>A, p.Val153Ile (NM_001293695.2); c.460G>A, p.Val154Ile (NM_006640.5); c.460G>A (NM_006640.4); short protein forms V153I, V154I, V165I, V172I, V8I.
Identifiers: ClinVar variation 1682610 (VCV001682610.38), dbSNP rs375172433, ClinGen allele CA8793227.

ClinVar aggregate classification (germline): Likely benign. Review status: criteria provided, multiple submitters, no conflicts (2 of 4 stars). 6 submissions from 6 submitters: Likely benign (6). Last evaluated 2026-04-21.

Conditions:
Inborn genetic diseases. Identifiers: MedGen C0950123, MeSH D030342.

Allele frequency attached by ClinVar (database versions not stated): TOPMed 0.00007; gnomAD exomes 0.00009 and 0.00011; ExAC 0.00015; gnomAD 0.00017 and 0.00019; ESP Exome Variant Server 0.00031.
gnomAD v4.1: 178 of 1,603,642 alleles (0.011%); highest among the groups gnomAD compares: Non-Finnish European, 0.014%; no homozygotes.

Submissions (6):

Women's Health and Genetics/Laboratory Corporation of America, LabCorp
Classification: Likely benign. Last evaluated: 2026-04-21. Review status: criteria provided, single submitter. Criteria: LabCorp Variant Classification Summary - May 2015. Collection method: clinical testing. Allele origin: germline.
Comment: Variant summary: SEPTIN9 c.460G>A (p.Val154Ile) results in a conservative amino acid change in the encoded protein sequence. Algorithms developed to predict the effect of missense changes on protein structure and function all suggest that this variant is likely to be tolerated. The variant allele was found at a frequency of 0.00011 in 1603642 control chromosomes. The observed variant frequency exceeds the estimated maximal expected allele frequency for disease-causing variants in SEPTIN9. To our knowledge, no occurrence of c.460G>A in individuals affected with SEPTIN9-related conditions and no experimental evidence demonstrating its impact on protein function have been reported. ClinVar contains an entry for this variant (Variation ID: 1682610). Based on the evidence outlined above, the variant was classified as likely benign.

Labcorp Genetics (formerly Invitae), Labcorp
Classification: Likely benign. Last evaluated: 2025-07-15. Review status: criteria provided, single submitter. Criteria: Invitae Variant Classification Sherloc (09022015). Collection method: clinical testing. Allele origin: germline.

Laboratory of Genetics, Children's Clinical University Hospital Latvia
Classification: Likely benign. Last evaluated: 2025-02-16. Review status: criteria provided, single submitter. Criteria: ACMG Guidelines, 2015. Collection method: clinical testing. Allele origin: germline. Affected: yes.

Blueprint Genetics
Classification: Likely benign. Last evaluated: 2024-10-30. Review status: criteria provided, single submitter. Criteria: ACMG Guidelines, 2015. Collection method: clinical testing. Allele origin: germline.

Ambry Genetics
Classification: Likely benign for Inborn genetic diseases. Last evaluated: 2023-05-02. Review status: criteria provided, single submitter. Criteria: Ambry Variant Classification Scheme 2023. Collection method: clinical testing. Allele origin: germline.

CeGaT Center for Human Genetics Tuebingen
Classification: Likely benign. Last evaluated: 2023-02-01. Review status: criteria provided, single submitter. Criteria: CeGaT Center For Human Genetics Tuebingen Variant Classification Criteria Version 2. Collection method: clinical testing. Allele origin: germline. Affected: yes. Observed: 3 variant alleles.
Comment: SEPTIN9: BP4